The following is an entry in ClinVar:

NM_004360.5(CDH1):c.1507C>T (p.Gln503Ter)

Gene: CDH1 (cadherin 1; plus strand). Cytogenetic location: 16q22.1.
Variant type: single nucleotide variant.
Coding change: c.1507C>T on transcript NM_004360.5 (MANE Select); coding-DNA position 1507, C replaced by T.
Protein change: p.Gln503Ter; replaces glutamine 503 with a stop codon.
Molecular consequence: nonsense. On other transcripts: 5 prime UTR variant (2).
Genome position (GRCh38, 1-based): chr16:68,815,701, C>T. VCF-style: chr16-68815701-C-T. GRCh37 (hg19) VCF-style: chr16-68849604-C-T.
Other names: c.1324C>T, p.Gln442Ter (NM_001317184.2); c.-42C>T (NM_001317185.2); c.-313C>T (NM_001317186.2); short protein forms Q503*, Q442*.
Identifiers: ClinVar variation 3998769 (VCV003998769.2).

ClinVar aggregate classification (germline): Pathogenic/Likely pathogenic. Review status: criteria provided, multiple submitters, no conflicts (2 of 4 stars). 2 submissions from 2 submitters: Pathogenic (1); Likely pathogenic (1). Last evaluated 2025-05-20.

Conditions:
CDH1-related disorder. Also called: CDH1-related condition.
Hereditary cancer-predisposing syndrome. Also called: Hereditary Cancer Syndrome; Hereditary neoplastic syndrome; Neoplastic Syndromes, Hereditary; Tumor predisposition. Identifiers: Orphanet 140162, MedGen C0027672, MeSH D009386, MONDO:0015356.

Submissions (2):

Ambry Genetics
Classification: Pathogenic for Hereditary cancer-predisposing syndrome. Last evaluated: 2025-05-20. Review status: criteria provided, single submitter. Criteria: Ambry Variant Classification Scheme 2023. Collection method: clinical testing. Allele origin: germline.
Comment: The p.Q503* pathogenic mutation (also known as c.1507C>T), located in coding exon 10 of the CDH1 gene, results from a C to T substitution at nucleotide position 1507. This changes the amino acid from a glutamine to a stop codon within coding exon 10. This variant has been identified in hereditary diffuse gastric cancer and invasive lobular carcinoma patient cohorts (Kaurah P et al. JAMA, 2007 Jun;297:2360-72; Djerroudi L et al. Mod Pathol, 2024 Oct;37:100570). This variant is considered to be rare based on population cohorts in the Genome Aggregation Database (gnomAD). This alteration is expected to result in loss of function by premature protein truncation or nonsense-mediated mRNA decay. As such, this alteration is interpreted as a disease-causing mutation.

Blueprint Genetics
Classification: Likely pathogenic for CDH1-related disorders. Last evaluated: 2021-11-23. Review status: criteria provided, single submitter. Criteria: ACMG Guidelines, 2015. Collection method: clinical testing. Allele origin: germline. Affected: yes. Observed: 2 variant alleles.

Literature cited by the submitters: PubMed 17545690 (cited by Ambry Genetics); PubMed 39025406 (cited by Ambry Genetics).